The following is an entry in ClinVar:

ClinVar aggregate classification (germline): Pathogenic. Review status: criteria provided, multiple submitters, no conflicts (2 of 4 stars). 3 submissions from 3 submitters: Pathogenic (3). Last evaluated 2024-09-30.

Conditions:
Cardiovascular phenotype. Identifiers: MedGen CN230736.
Hypertrophic cardiomyopathy. Also called: HYPERTROPHIC MYOCARDIOPATHY. Identifiers: Orphanet 217569, MedGen C0007194, MeSH D002312, MONDO:0005045, HP:0001639.

Submissions (3):

Ambry Genetics
Classification: Pathogenic for Cardiovascular phenotype. Last evaluated: 2024-09-30. Review status: criteria provided, single submitter. Criteria: Ambry Variant Classification Scheme 2023. Collection method: clinical testing. Allele origin: germline.
Comment: The c.1351+1G>C intronic pathogenic mutation results from a G to C substitution one nucleotide after coding exon 15 of the MYBPC3 gene. This variant has been observed in at least one individual with a personal and/or family history that is consistent with hypertrophic cardiomyopathy (HCM) (Ambry internal data). Another alteration impacting the same donor site (c.1351+1G>A) has been detected in HCM cohorts (Ho CY et al. Circ Cardiovasc Genet, 2009 Aug;2:314-21; Waldm&uuml;ller S et al. Eur. J. Heart Fail., 2011 Nov;13:1185-92; Walsh R et al. Genet. Med., 2017 02;19:192-203). This variant is considered to be rare based on population cohorts in the Genome Aggregation Database (gnomAD). In silico splice site analysis predicts that this alteration will weaken the native splice donor site and may result in the creation or strengthening of a novel splice donor site. In addition to the clinical data presented in the literature, alterations that disrupt the canonical splice site are expected to cause aberrant splicing, resulting in an abnormal protein or a transcript that is subject to nonsense-mediated mRNA decay. As such, this alteration is classified as a disease-causing mutation.

Labcorp Genetics (formerly Invitae), Labcorp
Classification: Pathogenic for Hypertrophic cardiomyopathy. Last evaluated: 2024-05-02. Review status: criteria provided, single submitter. Criteria: Invitae Variant Classification Sherloc (09022015). Collection method: clinical testing. Allele origin: germline.
Comment: This sequence change affects a donor splice site in intron 15 of the MYBPC3 gene. It is expected to disrupt RNA splicing. Variants that disrupt the donor or acceptor splice site typically lead to a loss of protein function (PMID: 16199547), and loss-of-function variants in MYBPC3 are known to be pathogenic (PMID: 19574547). This variant is not present in population databases (gnomAD no frequency). Disruption of this splice site has been observed in individuals with MYBPC3-related conditions (PMID: 31308319; Invitae). ClinVar contains an entry for this variant (Variation ID: 379619). Algorithms developed to predict the effect of sequence changes on RNA splicing suggest that this variant may disrupt the consensus splice site. For these reasons, this variant has been classified as Pathogenic.

GeneDx
Classification: Pathogenic. Last evaluated: 2015-04-28. Review status: criteria provided, single submitter. Criteria: GeneDx Variant Classification (06012015). Collection method: clinical testing. Allele origin: germline. Affected: yes.
Comment: Although the c.1351+1 G>C variant has not been reported as pathogenic or as a benignpolymorphism to our knowledge, another substitution for the same position (c.1351+1 G>A) has beenreported in at least two individuals with cardiomyopathy (Ho et al., 2009; Waldmuller et al., 2011). This variant destroys the canonical splice donor site in intron 15 and is predicted to cause abnormal gene splicing. The variant is predicted to lead to either an abnormal message that is subject to nonsense-mediated mRNA decay, or to an abnormal protein product if the message is used for protein translation. Other splice site variants in the MYBPC3 gene have been reported in HGMD in association with HCM (Stenson P et al., 2014).In summary, c.1351+1 G>C in the MYBPC3 gene is interpreted as a pathogenic variant.

Literature cited by the submitters: PubMed 20031602 (cited by Ambry Genetics); PubMed 21750094 (cited by Ambry Genetics); PubMed 27532257 (cited by Ambry Genetics); PubMed 31308319 (cited by Ambry Genetics and Labcorp Genetics (formerly Invitae), Labcorp); PubMed 16199547 (cited by Labcorp Genetics (formerly Invitae), Labcorp); PubMed 19574547 (cited by Labcorp Genetics (formerly Invitae), Labcorp).

NM_000256.3(MYBPC3):c.1351+1G>C

Gene: MYBPC3 (myosin binding protein C3; minus strand). Cytogenetic location: 11p11.2.
Variant type: single nucleotide variant.
Coding change: c.1351+1G>C on transcript NM_000256.3 (MANE Select); the canonical splice donor site of the intron after coding-DNA position 1351, G replaced by C.
Molecular consequence: splice donor variant.
Genome position (GRCh38, 1-based): chr11:47,343,020, C>G on the plus strand (G>C on the coding strand, the complement: MYBPC3 is on the minus strand). VCF-style: chr11-47343020-C-G. GRCh37 (hg19) VCF-style: chr11-47364571-C-G.
Identifiers: ClinVar variation 379619 (VCV000379619.7), dbSNP rs727503204, ClinGen allele CA16605932.
Genomic context (GRCh38, chr11:47,343,020, plus strand): 5'-GGTTGGCTCCCCTGAGGCCATCTCCTCCCCAGGTTCCCACATCCTCAGGTCCCAGGCCCA[C>G]CTTTCACAAAGAGCTCCGTGCTACACTTCTCGCCACCCACCACGCACTGGTAGGCTGCGT-3'